The following is an entry in ClinVar:

ClinVar aggregate classification (germline): Uncertain significance (1 of 4 stars; one submission).

Conditions:
Neuropathy, hereditary sensory and autonomic, type 2A (HSAN2A). Also called: HSAN IIA; ACROOSTEOLYSIS, GIACCAI TYPE; ACROOSTEOLYSIS, NEUROGENIC; MORVAN DISEASE; NEUROPATHY, CONGENITAL SENSORY; NEUROPATHY, HEREDITARY SENSORY RADICULAR, AUTOSOMAL RECESSIVE. Identifiers: Orphanet 970, MedGen C2752089, MONDO:0024309, OMIM 201300.
Pseudohypoaldosteronism type 2C (PHA2C). Also called: Pseudohypoaldosteronism Type IIC. Identifiers: Orphanet 757, Orphanet 88940, MedGen C1840391, MONDO:0013778, OMIM 614492.

gnomAD v4.1: 2 of 1,614,240 alleles (0.00012%); highest among the groups gnomAD compares: South Asian, 0.0022%; no homozygotes.

Submission:

Labcorp Genetics (formerly Invitae), Labcorp
Classification: Uncertain significance for Neuropathy, hereditary sensory and autonomic, type 2A; Pseudohypoaldosteronism type 2C. Last evaluated: 2021-02-12. Review status: criteria provided, single submitter. Criteria: Invitae Variant Classification Sherloc (09022015). Collection method: clinical testing. Allele origin: germline.
Comment: In summary, the available evidence is currently insufficient to determine the role of this variant in disease. Therefore, it has been classified as a Variant of Uncertain Significance. Advanced modeling of protein sequence and biophysical properties (such as structural, functional, and spatial information, amino acid conservation, physicochemical variation, residue mobility, and thermodynamic stability) performed at Invitae indicates that this missense variant is not expected to disrupt WNK1 protein function. This variant has not been reported in the literature in individuals with WNK1-related conditions. This variant is not present in population databases (ExAC no frequency). This sequence change replaces serine with tyrosine at codon 1690 of the WNK1 protein (p.Ser1690Tyr). The serine residue is moderately conserved and there is a large physicochemical difference between serine and tyrosine.

NM_018979.4(WNK1):c.4313C>A (p.Ser1438Tyr)

Gene: WNK1 (WNK lysine deficient protein kinase 1; plus strand). Cytogenetic location: 12p13.33.
Variant type: single nucleotide variant.
Coding change: c.4313C>A on transcript NM_018979.4 (MANE Select); coding-DNA position 4313, C replaced by A.
Protein change: p.Ser1438Tyr; replaces serine 1438 with tyrosine.
Molecular consequence: missense variant.
Genome position (GRCh38, 1-based): chr12:885,117, C>A. VCF-style: chr12-885117-C-A. GRCh37 (hg19) VCF-style: chr12-994283-C-A.
Other names: c.5093C>A, p.Ser1698Tyr (NM_001184985.2); c.3572C>A, p.Ser1191Tyr (NM_014823.3); c.5069C>A, p.Ser1690Tyr (NM_213655.5); short protein forms S1191Y, S1690Y, S1698Y, S1438Y.
Identifiers: ClinVar variation 1520496 (VCV001520496.8), dbSNP rs2154084162, ClinGen allele CA383330985.
Genomic context (GRCh38, chr12:885,117, plus strand): 5'-TACCTGCAGTTGTCTCAATATCTACTACATCCCCGTCACTTCAAGTCCCCACATCCACAT[C>A]TGAGATCGTTGTTTCTAGTACAGCACTGTATCCTTCAGTAACAGTTTCAGCAACTTCAGC-3'
Protein context (NP_061852.3, residues 1428-1448): SPSLQVPTST[Ser1438Tyr]EIVVSSTALY